The following is an entry in ClinVar:

NM_000179.3(MSH6):c.1776A>G (p.Val592=)

Gene: MSH6 (mutS homolog 6; plus strand). Cytogenetic location: 2p16.3.
Variant type: single nucleotide variant.
Coding change: c.1776A>G on transcript NM_000179.3 (MANE Select); coding-DNA position 1776, A replaced by G.
Protein change: p.Val592=; no amino-acid change (valine 592 retained).
Molecular consequence: synonymous variant.
Genome position (GRCh38, 1-based): chr2:47,799,759, A>G. VCF-style: chr2-47799759-A-G. GRCh37 (hg19) VCF-style: chr2-48026898-A-G.
Other names: c.1386A>G, p.Val462= (NM_001281492.2); c.870A>G, p.Val290= (NM_001281493.2, NM_001281494.2).
Identifiers: ClinVar variation 416166 (VCV000416166.22), dbSNP rs56132616, ClinGen allele CA068125.

ClinVar aggregate classification (germline): Conflicting classifications of pathogenicity. Review status: criteria provided, conflicting classifications (1 of 4 stars). 7 submissions from 7 submitters: Uncertain significance (1); Benign (1); Likely benign (5). Last evaluated 2025-11-05.

Conditions:
Hereditary nonpolyposis colorectal neoplasms. Identifiers: MedGen C0009405, MeSH D003123.
Lynch syndrome 5 (LYNCH5). Also called: Colorectal cancer, hereditary nonpolyposis, type 5; Hereditary non-polyposis colorectal cancer, type 5. Identifiers: Orphanet 144, MedGen C1833477, MONDO:0013710, OMIM 614350. Disease mechanism: loss of function.
Hereditary cancer-predisposing syndrome. Also called: Tumor predisposition; Neoplastic Syndromes, Hereditary; Hereditary neoplastic syndrome; Hereditary Cancer Syndrome. Identifiers: Orphanet 140162, MedGen C0027672, MeSH D009386, MONDO:0015356.
Lynch syndrome. Identifiers: Orphanet 144, MedGen C4552100, MONDO:0005835. Disease mechanism: loss of function.

Allele frequency attached by ClinVar (database versions not stated): TOPMed 0.00001.
gnomAD v4.1: 5 of 1,614,222 alleles (0.00031%); highest among the groups gnomAD compares: South Asian, 0.0033%; no homozygotes.

Submissions (7):

Labcorp Genetics (formerly Invitae), Labcorp
Classification: Likely benign for Hereditary nonpolyposis colorectal neoplasms. Last evaluated: 2025-11-05. Review status: criteria provided, single submitter. Criteria: Invitae Variant Classification Sherloc (09022015). Collection method: clinical testing. Allele origin: germline.

Myriad Genetics, Inc.
Classification: Benign for Lynch syndrome 5. Last evaluated: 2024-12-27. Review status: criteria provided, single submitter. Criteria: Myriad Autosomal Dominant, Autosomal Recessive and X-Linked Classification Criteria (2023). Collection method: clinical testing. Allele origin: unknown.
Comment: This variant is considered benign. This variant is a silent/synonymous amino acid change and it is not expected to impact splicing.

All of Us Research Program, National Institutes of Health
Classification: Likely benign for Lynch syndrome. Last evaluated: 2023-03-07. Review status: criteria provided, single submitter. Criteria: ACMG Guidelines, 2015. Collection method: clinical testing. Allele origin: germline. Inheritance: Autosomal dominant inheritance. Observed: 1 variant allele, 1 heterozygote.
Comment: This study involves interpretation of variants in research participants for the purpose of population health screening. Participant phenotype was not available at the time of variant classification. Additional details can be found in publication PMID: 35346344, PMCID: PMC8962531

Department of Pathology and Laboratory Medicine, Sinai Health System
Classification: Uncertain significance for Lynch syndrome 5. Last evaluated: 2021-07-21. Review status: criteria provided, single submitter. Criteria: ACMG Guidelines, 2015. Collection method: clinical testing. Allele origin: germline. Affected: yes.

Sema4
Classification: Likely benign for Hereditary cancer-predisposing syndrome. Last evaluated: 2021-05-17. Review status: criteria provided, single submitter. Criteria: Sema4 Curation Guidelines. Collection method: curation. Allele origin: germline.

Color Diagnostics, LLC DBA Color Health
Classification: Likely benign for Hereditary cancer-predisposing syndrome. Last evaluated: 2018-01-22. Review status: criteria provided, single submitter. Criteria: ACMG Guidelines, 2015. Collection method: clinical testing. Allele origin: germline.

Ambry Genetics
Classification: Likely benign for Hereditary cancer-predisposing syndrome. Last evaluated: 2016-10-27. Review status: criteria provided, single submitter. Criteria: Ambry Variant Classification Scheme 2023. Collection method: clinical testing. Allele origin: germline.